The following is an entry in ClinVar:

ClinVar aggregate classification (germline): Benign/Likely benign. Review status: criteria provided, multiple submitters, no conflicts (2 of 4 stars). 3 submissions from 3 submitters: Benign (1); Likely benign (2). Last evaluated 2026-07-14.

Conditions:
Hereditary cancer-predisposing syndrome. Also called: Hereditary neoplastic syndrome; Neoplastic Syndromes, Hereditary; Tumor predisposition; Hereditary Cancer Syndrome. Identifiers: Orphanet 140162, MedGen C0027672, MeSH D009386, MONDO:0015356.
Rhabdoid tumor predisposition syndrome 2 (RTPS2). Identifiers: Orphanet 231108, Orphanet 69077, MedGen C2750074, MONDO:0013224, OMIM 613325.

Allele frequency attached by ClinVar (database versions not stated): gnomAD exomes below 0.00001.
gnomAD v4.1: 1 of 1,613,898 alleles (0.000062%); highest among the groups gnomAD compares: East Asian, 0.0022%; no homozygotes.

Submissions (3):

Myriad Genetics, Inc.
Classification: Benign for Rhabdoid tumor predisposition syndrome 2. Last evaluated: 2026-07-14. Review status: criteria provided, single submitter. Criteria: Myriad Autosomal Dominant, Autosomal Recessive and X-Linked Classification Criteria (2023). Collection method: clinical testing. Allele origin: unknown.
Comment: This variant is considered benign. This variant is a silent/synonymous amino acid change and it is not expected to impact splicing.

Labcorp Genetics (formerly Invitae), Labcorp
Classification: Likely benign for Rhabdoid tumor predisposition syndrome 2. Last evaluated: 2025-11-09. Review status: criteria provided, single submitter. Criteria: Invitae Variant Classification Sherloc (09022015). Collection method: clinical testing. Allele origin: germline.

Ambry Genetics
Classification: Likely benign for Hereditary cancer-predisposing syndrome. Last evaluated: 2021-04-16. Review status: criteria provided, single submitter. Criteria: Ambry Variant Classification Scheme 2023. Collection method: clinical testing. Allele origin: germline.

NM_003072.5(SMARCA4):c.3195C>T (p.Phe1065=)

Gene: SMARCA4 (SWI/SNF related BAF chromatin remodeling complex subunit ATPase 4; plus strand). Cytogenetic location: 19p13.2.
Variant type: single nucleotide variant.
Coding change: c.3195C>T on transcript NM_003072.5 (MANE Select); coding-DNA position 3195, C replaced by T.
Protein change: p.Phe1065=; no amino-acid change (phenylalanine 1065 retained).
Molecular consequence: synonymous variant. On other transcripts: non-coding transcript variant (1).
Genome position (GRCh38, 1-based): chr19:11,026,326, C>T. VCF-style: chr19-11026326-C-T. GRCh37 (hg19) VCF-style: chr19-11137002-C-T.
Other names: c.3195C>T, p.Phe1065= (NM_001128844.3, NM_001128845.2, NM_001128846.2 and 4 more transcripts).
Identifiers: ClinVar variation 700213 (VCV000700213.12), dbSNP rs1265970795, ClinGen allele CA505491499.
Genomic context (GRCh38, chr19:11,026,326, plus strand): 5'-GCCTGTCACTGACCCCTCTCTCCTTGCCTTGCAGGAGTCCTTTTCCGAGCACTTGGGGTT[C>T]ACTGGCGGCATTGTCCAAGGGTGAGAAGCTTCCCAACTGGATGGGGTGGGCAGGTGGTCC-3'
Protein context (NP_003063.2, residues 1055-1075): IEESFSEHLG[Phe1065=]TGGIVQGLDL